The following is an entry in ClinVar:

NM_014334.4(FRRS1L):c.265G>C (p.Val89Leu)

Gene: FRRS1L (ferric chelate reductase 1 like; minus strand). Cytogenetic location: 9q31.3.
Variant type: single nucleotide variant.
Coding change: c.265G>C on transcript NM_014334.4 (MANE Select); coding-DNA position 265, G replaced by C.
Protein change: p.Val89Leu; replaces valine 89 with leucine.
Molecular consequence: missense variant.
Genome position (GRCh38, 1-based): chr9:109,149,694, C>G on the plus strand (G>C on the coding strand, the complement: FRRS1L is on the minus strand). VCF-style: chr9-109149694-C-G. GRCh37 (hg19) VCF-style: chr9-111911974-C-G.
Other names: short protein forms V89L.
Identifiers: ClinVar variation 2042647 (VCV002042647.4), dbSNP rs2538503093, ClinGen allele CA374428330.
Genomic context (GRCh38, chr9:109,149,694, plus strand): 5'-ACCTAAAGCATCCCTTAGTTTTTCCACAGTCGTCCACTTTGATTTTGGCAAATGGATCCA[C>G]AGGAGGAGCAGTAGGGAAGGGGTAACCTGGGCAGTGAGAATAAAGAAGGGTTAGAAAATC-3'
Protein context (NP_055149.3, residues 79-99): EGYPFPTAPP[Val89Leu]DPFAKIKVDD

ClinVar aggregate classification (germline): Uncertain significance (1 of 4 stars; one submission).

Conditions:
Developmental and epileptic encephalopathy, 37 (DEE37). Also called: Epileptic encephalopathy, early infantile, 37. Identifiers: MedGen C4310770, MONDO:0014859, OMIM 616981.

Submission:

Labcorp Genetics (formerly Invitae), Labcorp
Classification: Uncertain significance for Developmental and epileptic encephalopathy, 37. Last evaluated: 2021-12-14. Review status: criteria provided, single submitter. Criteria: Invitae Variant Classification Sherloc (09022015). Collection method: clinical testing. Allele origin: germline.
Comment: In summary, the available evidence is currently insufficient to determine the role of this variant in disease. Therefore, it has been classified as a Variant of Uncertain Significance. Algorithms developed to predict the effect of missense changes on protein structure and function are either unavailable or do not agree on the potential impact of this missense change (SIFT: "Deleterious"; PolyPhen-2: "Benign"; Align-GVGD: "Class C25"). This variant has not been reported in the literature in individuals affected with FRRS1L-related conditions. This variant is not present in population databases (gnomAD no frequency). This sequence change replaces valine, which is neutral and non-polar, with leucine, which is neutral and non-polar, at codon 140 of the FRRS1L protein (p.Val140Leu).